The following is an entry in ClinVar:

NM_005097.4(LGI1):c.626G>A (p.Arg209His)

Gene: LGI1 (leucine rich glioma inactivated 1; plus strand). Cytogenetic location: 10q23.33.
Variant type: single nucleotide variant.
Coding change: c.626G>A on transcript NM_005097.4 (MANE Select); coding-DNA position 626, G replaced by A.
Protein change: p.Arg209His; replaces arginine 209 with histidine.
Molecular consequence: missense variant. On other transcripts: non-coding transcript variant (1).
Genome position (GRCh38, 1-based): chr10:93,792,865, G>A. VCF-style: chr10-93792865-G-A. GRCh37 (hg19) VCF-style: chr10-95552622-G-A.
Other names: c.626G>A, p.Arg209His (NM_001308275.2); c.482G>A, p.Arg161His (NM_001308276.2); short protein forms R209H, R161H.
Identifiers: ClinVar variation 573459 (VCV000573459.12), dbSNP rs370151711, ClinGen allele CA5611141.

ClinVar aggregate classification (germline): Uncertain significance. Review status: criteria provided, multiple submitters, no conflicts (2 of 4 stars). 2 submissions from 2 submitters: Uncertain significance (2). Last evaluated 2025-12-25.

Conditions:
Inborn genetic diseases. Identifiers: MedGen C0950123, MeSH D030342.
Autosomal dominant epilepsy with auditory features. Identifiers: Orphanet 101046, MedGen C1838062, MONDO:0010898.

Allele frequency attached by ClinVar (database versions not stated): ExAC 0.00002; gnomAD 0.00002 and 0.00004; TOPMed 0.00002; gnomAD exomes 0.00003 and 0.00004; ESP Exome Variant Server 0.00008.
gnomAD v4.1: 59 of 1,613,840 alleles (0.0037%); highest among the groups gnomAD compares: East Asian, 0.06%; no homozygotes.

Submissions (2):

Labcorp Genetics (formerly Invitae), Labcorp
Classification: Uncertain significance for Autosomal dominant epilepsy with auditory features. Last evaluated: 2025-12-25. Review status: criteria provided, single submitter. Criteria: Invitae Variant Classification Sherloc (09022015). Collection method: clinical testing. Allele origin: germline.
Comment: This sequence change replaces arginine, which is basic and polar, with histidine, which is basic and polar, at codon 209 of the LGI1 protein (p.Arg209His). This variant is present in population databases (rs370151711, gnomAD 0.007%). This variant has not been reported in the literature in individuals affected with LGI1-related conditions. ClinVar contains an entry for this variant (Variation ID: 573459). Invitae Evidence Modeling of protein sequence and biophysical properties (such as structural, functional, and spatial information, amino acid conservation, physicochemical variation, residue mobility, and thermodynamic stability) indicates that this missense variant is not expected to disrupt LGI1 protein function with a negative predictive value of 80%. In summary, the available evidence is currently insufficient to determine the role of this variant in disease. Therefore, it has been classified as a Variant of Uncertain Significance.

Ambry Genetics
Classification: Uncertain significance for Inborn genetic diseases. Last evaluated: 2023-12-21. Review status: criteria provided, single submitter. Criteria: Ambry Variant Classification Scheme 2023. Collection method: clinical testing. Allele origin: germline.